The following is an entry in ClinVar:

NM_002878.4(RAD51D):c.841A>G (p.Ile281Val)

Genes: RAD51D (RAD51 paralog D; minus strand), RAD51L3-RFFL (RAD51L3-RFFL readthrough; minus strand). Cytogenetic location: 17q12.
Variant type: single nucleotide variant.
Coding change: c.841A>G on transcript NM_002878.4 (MANE Select); coding-DNA position 841, A replaced by G.
Protein change: p.Ile281Val; replaces isoleucine 281 with valine.
Molecular consequence: missense variant. On other transcripts: non-coding transcript variant (3).
Genome position (GRCh38, 1-based): chr17:35,101,263, T>C on the plus strand (A>G on the coding strand, the complement: RAD51D is on the minus strand). VCF-style: chr17-35101263-T-C. GRCh37 (hg19) VCF-style: chr17-33428282-T-C.
Other names: c.901A>G, p.Ile301Val (NM_001142571.2); c.505A>G, p.Ile169Val (NM_133629.3); short protein forms I169V, I301V, I281V.
Identifiers: ClinVar variation 2123093 (VCV002123093.5), dbSNP rs2509124620, ClinGen allele CA399086617.

ClinVar aggregate classification (germline): Conflicting classifications of pathogenicity. Review status: criteria provided, conflicting classifications (1 of 4 stars). 2 submissions from 2 submitters: Uncertain significance (1); Likely benign (1). Last evaluated 2024-02-26.

Conditions:
Hereditary cancer-predisposing syndrome. Also called: Hereditary Cancer Syndrome; Tumor predisposition; Neoplastic Syndromes, Hereditary; Hereditary neoplastic syndrome. Identifiers: Orphanet 140162, MedGen C0027672, MeSH D009386, MONDO:0015356.
Breast-ovarian cancer, familial, susceptibility to, 4. Identifiers: Orphanet 145, MedGen C3280345, MONDO:0013669, OMIM 614291.

Allele frequency attached by ClinVar (database versions not stated): gnomAD exomes below 0.00001.
gnomAD v4.1: 1 of 1,614,142 alleles (0.000062%); highest among the groups gnomAD compares: Non-Finnish European, 0.000085%; no homozygotes.

Submissions (2):

Ambry Genetics
Classification: Likely benign for Hereditary cancer-predisposing syndrome. Last evaluated: 2024-02-26. Review status: criteria provided, single submitter. Criteria: Ambry Variant Classification Scheme 2023. Collection method: clinical testing. Allele origin: germline.

Labcorp Genetics (formerly Invitae), Labcorp
Classification: Uncertain significance for Breast-ovarian cancer, familial, susceptibility to, 4. Last evaluated: 2022-04-08. Review status: criteria provided, single submitter. Criteria: Invitae Variant Classification Sherloc (09022015). Collection method: clinical testing. Allele origin: germline.
Comment: This sequence change replaces isoleucine, which is neutral and non-polar, with valine, which is neutral and non-polar, at codon 281 of the RAD51D protein (p.Ile281Val). This variant is not present in population databases (gnomAD no frequency). This variant has not been reported in the literature in individuals affected with RAD51D-related conditions. Algorithms developed to predict the effect of missense changes on protein structure and function (SIFT, PolyPhen-2, Align-GVGD) all suggest that this variant is likely to be tolerated. In summary, the available evidence is currently insufficient to determine the role of this variant in disease. Therefore, it has been classified as a Variant of Uncertain Significance.